The following is an entry in ClinVar:

ClinVar aggregate classification (germline): Uncertain significance (1 of 4 stars; one submission).

Allele frequency attached by ClinVar (database versions not stated): gnomAD exomes below 0.00001.
gnomAD v4.1: 1 of 1,614,020 alleles (0.000062%); highest among the groups gnomAD compares: African/African-American, 0.0013%; no homozygotes.

Submission:

Labcorp Genetics (formerly Invitae), Labcorp
Classification: Uncertain significance. Last evaluated: 2022-11-22. Review status: criteria provided, single submitter. Criteria: Invitae Variant Classification Sherloc (09022015). Collection method: clinical testing. Allele origin: germline.
Comment: Advanced modeling of protein sequence and biophysical properties (such as structural, functional, and spatial information, amino acid conservation, physicochemical variation, residue mobility, and thermodynamic stability) performed at Invitae indicates that this missense variant is not expected to disrupt MTTP protein function. In summary, the available evidence is currently insufficient to determine the role of this variant in disease. Therefore, it has been classified as a Variant of Uncertain Significance. This variant has not been reported in the literature in individuals affected with MTTP-related conditions. This variant is not present in population databases (gnomAD no frequency). This sequence change replaces asparagine, which is neutral and polar, with lysine, which is basic and polar, at codon 525 of the MTTP protein (p.Asn525Lys).

NM_001386140.1(MTTP):c.1575C>A (p.Asn525Lys)

Gene: MTTP (microsomal triglyceride transfer protein; plus strand). Cytogenetic location: 4q23.
Variant type: single nucleotide variant.
Coding change: c.1575C>A on transcript NM_001386140.1 (MANE Select); coding-DNA position 1575, C replaced by A.
Protein change: p.Asn525Lys; replaces asparagine 525 with lysine.
Molecular consequence: missense variant.
Genome position (GRCh38, 1-based): chr4:99,608,783, C>A. VCF-style: chr4-99608783-C-A. GRCh37 (hg19) VCF-style: chr4-100529940-C-A.
Other names: c.1575C>A, p.Asn525Lys (NM_000253.4); c.1326C>A, p.Asn442Lys (NM_001300785.2); short protein forms N442K, N525K.
Identifiers: ClinVar variation 2062899 (VCV002062899.3), dbSNP rs1050120100, ClinGen allele CA102640812.
Genomic context (GRCh38, chr4:99,608,783, plus strand): 5'-TAAAAATCTAGATGTGCACTAAGTTTGAACATCTTATGAACAGGTGAAGAAGACCTTAAA[C>A]AGAATATACCACCAAAACCGTAAAGTTCATGAAAAGACTGTGCGCACTGCTGCAGCTGCT-3'
Protein context (NP_001373069.1, residues 515-535): FITDEVKKTL[Asn525Lys]RIYHQNRKVH